The following is an entry in ClinVar:

ClinVar aggregate classification (germline): Uncertain significance (1 of 4 stars; one submission).

Conditions:
Progressive myoclonic epilepsy type 5. Identifiers: Orphanet 402082, MedGen C5190799.

Allele frequency attached by ClinVar (database versions not stated): ExAC 0.00001; gnomAD exomes 0.00001; TOPMed 0.00003; ESP Exome Variant Server 0.00008.
gnomAD v4.1: 7 of 1,613,956 alleles (0.00043%); highest among the groups gnomAD compares: Non-Finnish European, 0.00042%; no homozygotes.

Submission:

Labcorp Genetics (formerly Invitae), Labcorp
Classification: Uncertain significance for Progressive myoclonic epilepsy type 5. Last evaluated: 2019-08-29. Review status: criteria provided, single submitter. Criteria: Invitae Variant Classification Sherloc (09022015). Collection method: clinical testing. Allele origin: germline.
Comment: Algorithms developed to predict the effect of missense changes on protein structure and function are either unavailable or do not agree on the potential impact of this missense change (SIFT: "Deleterious"; PolyPhen-2: "Benign"; Align-GVGD: "Class C15"). This variant has not been reported in the literature in individuals with PRICKLE2-related conditions. This variant is present in population databases (rs372225003, ExAC 0.001%). This sequence change replaces threonine with isoleucine at codon 553 of the PRICKLE2 protein (p.Thr553Ile). The threonine residue is highly conserved and there is a moderate physicochemical difference between threonine and isoleucine. In summary, the available evidence is currently insufficient to determine the role of this variant in disease. Therefore, it has been classified as a Variant of Uncertain Significance.

NM_198859.4(PRICKLE2):c.1658C>T (p.Thr553Ile)

Gene: PRICKLE2 (prickle planar cell polarity protein 2; minus strand). Cytogenetic location: 3p14.1.
Variant type: single nucleotide variant.
Coding change: c.1658C>T on transcript NM_198859.4 (MANE Select); coding-DNA position 1658, C replaced by T.
Protein change: p.Thr553Ile; replaces threonine 553 with isoleucine.
Molecular consequence: missense variant.
Genome position (GRCh38, 1-based): chr3:64,146,832, G>A on the plus strand (C>T on the coding strand, the complement: PRICKLE2 is on the minus strand). VCF-style: chr3-64146832-G-A. GRCh37 (hg19) VCF-style: chr3-64132508-G-A.
Other names: c.1658C>T, p.Thr553Ile (NM_001370528.1); short protein forms T553I.
Identifiers: ClinVar variation 961707 (VCV000961707.7), dbSNP rs372225003, ClinGen allele CA2479582.